The following is an entry in ClinVar:

ClinVar aggregate classification (germline): Uncertain significance (1 of 4 stars; one submission).

Conditions:
EGFR-related lung cancer (EGFR). Identifiers: MedGen CN130014.

Allele frequency attached by ClinVar (database versions not stated): gnomAD exomes below 0.00001.
gnomAD v4.1: 1 of 1,614,188 alleles (0.000062%); highest among the groups gnomAD compares: Non-Finnish European, 0.000085%; no homozygotes.

Submission:

Labcorp Genetics (formerly Invitae), Labcorp
Classification: Uncertain significance for EGFR-related lung cancer. Last evaluated: 2022-08-31. Review status: criteria provided, single submitter. Criteria: Invitae Variant Classification Sherloc (09022015). Collection method: clinical testing. Allele origin: germline.
Comment: This variant has not been reported in the literature in individuals affected with EGFR-related conditions. Algorithms developed to predict the effect of missense changes on protein structure and function output the following: SIFT: "Tolerated"; PolyPhen-2: "Benign"; Align-GVGD: "Class C0". The aspartic acid amino acid residue is found in multiple mammalian species, which suggests that this missense change does not adversely affect protein function. In summary, the available evidence is currently insufficient to determine the role of this variant in disease. Therefore, it has been classified as a Variant of Uncertain Significance. This variant is not present in population databases (gnomAD no frequency). This sequence change replaces glycine, which is neutral and non-polar, with aspartic acid, which is acidic and polar, at codon 185 of the EGFR protein (p.Gly185Asp).

NM_005228.5(EGFR):c.554G>A (p.Gly185Asp)

Gene: EGFR (epidermal growth factor receptor; plus strand). Cytogenetic location: 7p11.2.
Variant type: single nucleotide variant.
Coding change: c.554G>A on transcript NM_005228.5 (MANE Select); coding-DNA position 554, G replaced by A.
Protein change: p.Gly185Asp; replaces glycine 185 with aspartic acid.
Molecular consequence: missense variant. On other transcripts: intron variant (3).
Genome position (GRCh38, 1-based): chr7:55,146,735, G>A. VCF-style: chr7-55146735-G-A. GRCh37 (hg19) VCF-style: chr7-55214428-G-A.
Other names: c.554G>A, p.Gly185Asp (NM_001346898.2, NM_201282.2, NM_201283.2 and 1 more transcripts); c.395G>A, p.Gly132Asp (NM_001346900.2); c.424+3247G>A (NM_001346899.2, NM_001346897.2); c.89-9095G>A (NM_001346941.2); short protein forms G132D, G185D.
Identifiers: ClinVar variation 1718442 (VCV001718442.5), dbSNP rs2535468371, ClinGen allele CA367576750.